The following is an entry in ClinVar:

ClinVar aggregate classification (germline): Conflicting classifications of pathogenicity. Review status: criteria provided, conflicting classifications (1 of 4 stars). 2 submissions from 2 submitters: Uncertain significance (1); Likely benign (1). Last evaluated 2025-03-11.

Allele frequency attached by ClinVar (database versions not stated): gnomAD exomes below 0.00001.
gnomAD v4.1: 1 of 1,602,756 alleles (0.000062%); highest among the groups gnomAD compares: Non-Finnish European, 0.000085%; no homozygotes.

Submissions (2):

GeneDx
Classification: Uncertain significance. Last evaluated: 2025-03-11. Review status: criteria provided, single submitter. Criteria: GeneDx Variant Classification Process June 2021. Collection method: clinical testing. Allele origin: germline. Affected: yes.
Comment: Not observed at significant frequency in large population cohorts (gnomAD); Missense variant in a gene in which most reported pathogenic variants are truncating/loss of function; Has not been previously published as pathogenic or benign to our knowledge

Laboratory for Molecular Medicine, Mass General Brigham Personalized Medicine
Classification: Likely benign. Last evaluated: 2013-01-04. Review status: criteria provided, single submitter. Criteria: LMM Criteria. Collection method: clinical testing. Allele origin: germline. Observed: 1 variant allele.
Comment: Val15697Ile in exon 231 of TTN: This variant is not expected to have clinical si gnificance due to a lack of conservation across species, including mammals. Of n ote, multiple mammals, including mouse lemur, bushbaby, and pika, have an isoleu cine (Ile) at this position despite high nearby amino acid conservation. In addi tion, computational analyses (AlignGVGD, PolyPhen2, SIFT) do not suggest a high likelihood of impact to the protein.

NM_001267550.2(TTN):c.54793G>A (p.Val18265Ile)

Genes: TTN (titin; minus strand), TTN-AS1 (TTN antisense RNA 1; plus strand). Cytogenetic location: 2q31.2.
Variant type: single nucleotide variant.
Coding change: c.54793G>A on transcript NM_001267550.2 (MANE Select); coding-DNA position 54793, G replaced by A.
Protein change: p.Val18265Ile; replaces valine 18265 with isoleucine.
Molecular consequence: missense variant.
Genome position (GRCh38, 1-based): chr2:178,603,894, C>T on the plus strand (G>A on the coding strand, the complement: TTN is on the minus strand). VCF-style: chr2-178603894-C-T. GRCh37 (hg19) VCF-style: chr2-179468621-C-T.
Other names: c.47089G>A, p.Val15697Ile (NM_133378.4); c.49870G>A, p.Val16624Ile (NM_001256850.1); c.27598G>A, p.Val9200Ile (NM_003319.4); c.27973G>A, p.Val9325Ile (NM_133432.3); c.28174G>A, p.Val9392Ile (NM_133437.4); c.54793G>A (NM_001267550.1); short protein forms V18265I, V15697I, V9325I, V9392I, V9200I, V16624I.
Identifiers: ClinVar variation 47094 (VCV000047094.6), dbSNP rs397517621, ClinGen allele CA139988.